The following is an entry in ClinVar:

NM_015335.5(MED13L):c.4670del (p.Pro1557fs)

Gene: MED13L (mediator complex subunit 13L; minus strand). Cytogenetic location: 12q24.21.
Variant type: Deletion.
Coding change: c.4670del on transcript NM_015335.5 (MANE Select); coding-DNA position 4670, one base deleted (C; older notation c.4670delC).
Protein change: p.Pro1557fs; shifts the reading frame from proline 1557.
Molecular consequence: frameshift variant.
Genome position (GRCh38, 1-based): chr12:115,983,402, G deleted on the plus strand (C on the coding strand, the reverse complement: MED13L is on the minus strand); the first of 5 consecutive G bases (chr12:115,983,402-115,983,406); deleting any one gives the same sequence. VCF-style (leftmost placement, unchanged base first): chr12-115983401-TG-T. GRCh37 (hg19) VCF-style: chr12-116421206-TG-T.
Other names: short protein forms P1557fs.
Identifiers: ClinVar variation 5038255 (VCV005038255.1).
Genomic context (GRCh38, chr12:115,983,401, plus strand): 5'-ACTACTTGCTGCAGGATTTGTAGAACTACTATTCGAGGTGGGATTAAATGCACTGCCAGC[TG>T]GGGGAGCTGCTGATCCATTTGGAGCTAAGGGCCCAGCATTCCCTGGCGTAGCTTGTCCCT-3'

ClinVar aggregate classification (germline): Likely pathogenic (1 of 4 stars; one submission).

Conditions:
Cardiac anomalies - developmental delay - facial dysmorphism syndrome (MRFACD). Also called: MED13L Syndrome; Impaired intellectual development and distinctive facial features with or without cardiac defects. Identifiers: Orphanet 369891, MedGen C5192431, MONDO:0014773, OMIM 616789.

Submission:

MVZ Medizinische Genetik Mainz
Classification: Likely pathogenic for Cardiac anomalies - developmental delay - facial dysmorphism syndrome. Last evaluated: 2026-07-27. Review status: criteria provided, single submitter. Criteria: UK Practice Guidelines For Variant Classification V4 01 2020. Collection method: clinical testing. Allele origin: germline. Inheritance: Autosomal dominant inheritance. Affected: yes. Observed: 1 variant allele.
Comment: ACMG Criteria: PVS1,PM2_SUP